The following is an entry in ClinVar:

NM_001009944.3(PKD1):c.11299_11342del (p.Val3767fs)

Genes: PKD1 (polycystin 1, transient receptor potential channel interacting; minus strand), PKD1-AS1 (PKD1 antisense RNA 1; plus strand). Cytogenetic location: 16p13.3.
Variant type: Deletion.
Coding change: c.11299_11342del on transcript NM_001009944.3 (MANE Select); coding-DNA positions 11299 to 11342, 44 bases deleted.
Protein change: p.Val3767fs; shifts the reading frame from valine 3767.
Molecular consequence: frameshift variant.
Genome position (GRCh38, 1-based): chr16:2,092,116-2,092,159, 44 bases deleted. GRCh37 (hg19): chr16:2,142,117-2,142,160.
Other names: c.11296_11339del, p.Val3766fs (NM_000296.4); short protein forms V3766fs, V3767fs.
Identifiers: ClinVar variation 2256514 (VCV002256514.2), dbSNP rs2544625256, ClinGen allele CA2580091202.
Genomic context (GRCh38, chr16:2,092,115, plus strand): 5'-ATCCGGCGCTGAATAGGCCCACGTCCCCGAGCCATTGTGAGGACTCTCCCAGCCAACGTC[GTAATCGCTGGTGCTGAAGCCTCCTGCGGCCGAGCACGTGTGGAC>G]CCTGGGGCCGGGAGGGTCTGGGTAGAGTGCTGAAACACACAGAGCCCCAGGCCGGGGCCA-3'

ClinVar aggregate classification (germline): Pathogenic (1 of 4 stars; one submission).

Conditions:
Inborn genetic diseases. Identifiers: MedGen C0950123, MeSH D030342.

Submission:

Ambry Genetics
Classification: Pathogenic for Inborn genetic diseases. Last evaluated: 2021-11-15. Review status: criteria provided, single submitter. Criteria: Ambry Variant Classification Scheme 2023. Collection method: clinical testing. Allele origin: germline.
Comment: The c.11296_11339del44 (p.V3766Rfs*34) alteration, located in exon 40 (coding exon 40) of the PKD1 gene, consists of a deletion of 44 nucleotides from position 11296 to 11339, causing a translational frameshift with a predicted alternate stop codon after 34 amino acids. This alteration is expected to result in loss of function by premature protein truncation or nonsense-mediated mRNA decay. This variant was not reported in population-based cohorts in the Genome Aggregation Database (gnomAD). Based on the available evidence, this alteration is classified as pathogenic.